The following is an entry in ClinVar:

NM_003265.3(TLR3):c.109T>C (p.Cys37Arg)

Gene: TLR3 (toll like receptor 3; plus strand). Cytogenetic location: 4q35.1.
Variant type: single nucleotide variant.
Coding change: c.109T>C on transcript NM_003265.3 (MANE Select); coding-DNA position 109, T replaced by C.
Protein change: p.Cys37Arg; replaces cysteine 37 with arginine.
Molecular consequence: missense variant.
Genome position (GRCh38, 1-based): chr4:186,076,728, T>C. VCF-style: chr4-186076728-T-C. GRCh37 (hg19) VCF-style: chr4-186997882-T-C.
Other names: short protein forms C37R.
Identifiers: ClinVar variation 956119 (VCV000956119.11), dbSNP rs752889035, ClinGen allele CA3161161.

ClinVar aggregate classification (germline): Uncertain significance. Review status: criteria provided, multiple submitters, no conflicts (2 of 4 stars). 2 submissions from 2 submitters: Uncertain significance (2). Last evaluated 2025-09-22.

Conditions:
Immunodeficiency 83, susceptibility to viral infections. Identifiers: Orphanet 1930, MedGen C2751803, MONDO:0800187, OMIM 613002.
Encephalopathy, acute, infection-induced (herpes-specific), susceptibility to, 1. Also called: Herpes simplex encephalitis, susceptibility to, 1. Identifiers: Orphanet 1930, MedGen C2750180, MONDO:0024563, OMIM 610551.

Allele frequency attached by ClinVar (database versions not stated): gnomAD 0.00006 and 0.00005; gnomAD exomes 0.00002; ExAC 0.00003; TOPMed 0.00004.

Submissions (2):

Labcorp Genetics (formerly Invitae), Labcorp
Classification: Uncertain significance for Encephalopathy, acute, infection-induced (herpes-specific), susceptibility to, 1. Last evaluated: 2025-09-22. Review status: criteria provided, single submitter. Criteria: Invitae Variant Classification Sherloc (09022015). Collection method: clinical testing. Allele origin: germline.
Comment: This sequence change replaces cysteine, which is neutral and slightly polar, with arginine, which is basic and polar, at codon 37 of the TLR3 protein (p.Cys37Arg). This variant is present in population databases (rs752889035, gnomAD 0.004%). This variant has not been reported in the literature in individuals affected with TLR3-related conditions. ClinVar contains an entry for this variant (Variation ID: 956119). An algorithm developed to predict the effect of missense changes on protein structure and function (PolyPhen-2) suggests that this variant is likely to be disruptive. In summary, the available evidence is currently insufficient to determine the role of this variant in disease. Therefore, it has been classified as a Variant of Uncertain Significance.

Department of Pathology and Laboratory Medicine, Sinai Health System
Classification: Uncertain significance for Immunodeficiency 83, susceptibility to viral infections. Last evaluated: 2021-12-13. Review status: criteria provided, single submitter. Criteria: ACMG Guidelines, 2015. Collection method: research. Allele origin: germline.